The following is an entry in ClinVar:

NM_001127178.3(PIGG):c.154+2T>C

Gene: PIGG (phosphatidylinositol glycan anchor biosynthesis class G (EMM blood group); plus strand). Cytogenetic location: 4p16.3.
Variant type: single nucleotide variant.
Coding change: c.154+2T>C on transcript NM_001127178.3 (MANE Select); the canonical splice donor site of the intron after coding-DNA position 154, T replaced by C.
Molecular consequence: splice donor variant. On other transcripts: 5 prime UTR variant (7), non-coding transcript variant (4), intron variant (1).
Genome position (GRCh38, 1-based): chr4:499,491, T>C. VCF-style: chr4-499491-T-C. GRCh37 (hg19) VCF-style: chr4-493280-T-C.
Other names: c.-670T>C (NM_001289053.2); c.-348T>C (NM_001289057.2, NM_001345986.2, NM_001345987.2); c.-968T>C (NM_001345988.2); c.-1568T>C (NM_001345991.2); c.-1293T>C (NM_001345994.2); c.-1472+2T>C (NM_001345990.2); c.154+2T>C (NM_017733.5, NM_001289052.2, NM_001345989.2); c.-114+193T>C (NM_001289051.2); and 1 more.
Identifiers: ClinVar variation 2756301 (VCV002756301.3), dbSNP rs1576984787, ClinGen allele CA355889230.
Genomic context (GRCh38, chr4:499,491, plus strand): 5'-TCGTTCCTCTGCCAGAGCGGAACACGGAGCGGAGCCCCCAGCGCCCGAACCCTCGGCTGG[T>C]ACGGACCCCTCCCCGGCGTCTCCGCTCCCCTGACCCCACATCCCCTAGAAGACCTTTTTT-3'

ClinVar aggregate classification (germline): Likely pathogenic (1 of 4 stars; one submission).

Conditions:
Intellectual disability, autosomal recessive 53 (NEDHSCA). Also called: NEURODEVELOPMENTAL DISORDER WITH OR WITHOUT HYPOTONIA, SEIZURES, AND CEREBELLAR ATROPHY; GLYCOSYLPHOSPHATIDYLINOSITOL BIOSYNTHESIS DEFECT 13; Mental retardation, autosomal recessive 53. Identifiers: Orphanet 488635, MedGen C4310794, MONDO:0014832, OMIM 616917.

Submission:

Labcorp Genetics (formerly Invitae), Labcorp
Classification: Likely pathogenic for Intellectual disability, autosomal recessive 53. Last evaluated: 2024-02-05. Review status: criteria provided, single submitter. Criteria: Invitae Variant Classification Sherloc (09022015). Collection method: clinical testing. Allele origin: germline.
Comment: This sequence change affects a donor splice site in intron 1 of the PIGG gene. It is expected to disrupt RNA splicing. Variants that disrupt the donor or acceptor splice site typically lead to a loss of protein function (PMID: 16199547), and loss-of-function variants in PIGG are known to be pathogenic (PMID: 26996948, 28581210, 28771251). This variant is not present in population databases (gnomAD no frequency). This variant has not been reported in the literature in individuals affected with PIGG-related conditions. Algorithms developed to predict the effect of sequence changes on RNA splicing suggest that this variant may disrupt the consensus splice site. In summary, the currently available evidence indicates that the variant is pathogenic, but additional data are needed to prove that conclusively. Therefore, this variant has been classified as Likely Pathogenic.

Literature cited by the submitters: PubMed 16199547; PubMed 26996948; PubMed 28581210; PubMed 28771251.